The following is an entry in ClinVar:

NM_004586.3(RPS6KA3):c.986C>T (p.Thr329Met)

Gene: RPS6KA3 (ribosomal protein S6 kinase A3; minus strand). Cytogenetic location: Xp22.12.
Variant type: single nucleotide variant.
Coding change: c.986C>T on transcript NM_004586.3 (MANE Select); coding-DNA position 986, C replaced by T.
Protein change: p.Thr329Met; replaces threonine 329 with methionine.
Molecular consequence: missense variant.
Genome position (GRCh38, 1-based): chrX:20,176,447, G>A on the plus strand (C>T on the coding strand, the complement: RPS6KA3 is on the minus strand). VCF-style: chrX-20176447-G-A. GRCh37 (hg19) VCF-style: chrX-20194565-G-A.
Other names: short protein forms T329M.
Identifiers: ClinVar variation 1702563 (VCV001702563.4), dbSNP rs758308122, ClinGen allele CA10366189.

ClinVar aggregate classification (germline): Uncertain significance. Review status: criteria provided, multiple submitters, no conflicts (2 of 4 stars). 3 submissions from 3 submitters: Uncertain significance (3). Last evaluated 2026-09-25.

Conditions:
RPS6KA3-related disorder. Also called: RPS6KA3-related condition.
Intellectual developmental disorder, X-linked 19. Also called: Intellectual disability, X-linked 19. Identifiers: Orphanet 777, MedGen C0796225, MONDO:0010447, OMIM 300844.
Coffin-Lowry syndrome (CLS). Also called: COFFIN-LOWRY SYNDROME, MILD; Mental retardation with osteocartilaginous abnormalities. Identifiers: Orphanet 192, MedGen C0265252, MONDO:0010561, OMIM 303600.

Allele frequency attached by ClinVar (database versions not stated): gnomAD exomes 0.00001.
gnomAD v4.1: 6 of 1,189,942 alleles (0.0005%); highest among the groups gnomAD compares: African/African-American, 0.0018%; no homozygotes.

Submissions (3):

PreventionGenetics, part of Exact Sciences
Classification: Uncertain significance for RPS6KA3-related condition. Last evaluated: 2026-09-25. Review status: criteria provided, single submitter. Criteria: ACMG Guidelines, 2015. Collection method: clinical testing. Allele origin: germline.
Comment: The RPS6KA3 c.986C>T variant is predicted to result in the amino acid substitution p.Thr329Met. To our knowledge, this variant has not been reported in the literature. This variant is reported in 0.0% of alleles in individuals of African descent in gnomAD. At this time, the clinical significance of this variant is uncertain due to the absence of conclusive functional and genetic evidence.

Labcorp Genetics (formerly Invitae), Labcorp
Classification: Uncertain significance for Coffin-Lowry syndrome; Intellectual developmental disorder, X-linked 19. Last evaluated: 2026-01-12. Review status: criteria provided, single submitter. Criteria: Invitae Variant Classification Sherloc (09022015). Collection method: clinical testing. Allele origin: germline.
Comment: This sequence change replaces threonine, which is neutral and polar, with methionine, which is neutral and non-polar, at codon 329 of the RPS6KA3 protein (p.Thr329Met). This variant is not present in population databases (gnomAD no frequency). This variant has not been reported in the literature in individuals affected with RPS6KA3-related conditions. ClinVar contains an entry for this variant (Variation ID: 1702563). Invitae Evidence Modeling of protein sequence and biophysical properties (such as structural, functional, and spatial information, amino acid conservation, physicochemical variation, residue mobility, and thermodynamic stability) indicates that this missense variant is not expected to disrupt RPS6KA3 protein function with a negative predictive value of 80%. Algorithms developed to predict the effect of sequence changes on RNA splicing suggest that this variant may disrupt the consensus splice site. In summary, the available evidence is currently insufficient to determine the role of this variant in disease. Therefore, it has been classified as a Variant of Uncertain Significance.

GeneDx
Classification: Uncertain significance. Last evaluated: 2022-02-16. Review status: criteria provided, single submitter. Criteria: GeneDx Variant Classification Process June 2021. Collection method: clinical testing. Allele origin: germline. Affected: yes.
Comment: In silico analysis supports that this missense variant has a deleterious effect on protein structure/function; Has not been previously published as pathogenic or benign to our knowledge